The following is an entry in ClinVar:

ClinVar aggregate classification (germline): Uncertain significance. Review status: criteria provided, multiple submitters, no conflicts (2 of 4 stars). 4 submissions from 2 submitters: Uncertain significance (4). Last evaluated 2018-01-13.

Conditions:
Hyperinsulinemic hypoglycemia, familial, 2. Also called: HYPERINSULINEMIC HYPOGLYCEMIA, PERSISTENT; HYPERINSULINISM, NEONATAL. Identifiers: Orphanet 276580, Orphanet 276603, MedGen C2931833, MONDO:0011153, OMIM 601820. Disease mechanism: loss of function.
Maturity-onset diabetes of the young type 13. Also called: MODY, TYPE 13. Identifiers: Orphanet 552, MedGen C4225365, MONDO:0014589, OMIM 616329.
Maturity-onset diabetes of the young (MODY). Also called: Maturity onset diabetes mellitus in young. Identifiers: Orphanet 552, MedGen C0342276, MONDO:0018911, HP:0004904.
Diabetes mellitus, transient neonatal, 3 (TNDM3). Identifiers: Orphanet 99886, MedGen C1864623, MONDO:0012522, OMIM 610582. Disease mechanism: loss of function.

Submissions (4):

Illumina Laboratory Services, Illumina
Classification: Uncertain significance for Hyperinsulinemic hypoglycemia, familial, 2. Last evaluated: 2018-01-13. Review status: criteria provided, single submitter. Criteria: ICSL Variant Classification Criteria 13 December 2019. Collection method: clinical testing. Allele origin: germline.

Illumina Laboratory Services, Illumina
Classification: Uncertain significance for Maturity-onset diabetes of the young type 13. Last evaluated: 2018-01-13. Review status: criteria provided, single submitter. Criteria: ICSL Variant Classification Criteria 13 December 2019. Collection method: clinical testing. Allele origin: germline.

Illumina Laboratory Services, Illumina
Classification: Uncertain significance for Diabetes mellitus, transient neonatal, 3. Last evaluated: 2018-01-13. Review status: criteria provided, single submitter. Criteria: ICSL Variant Classification Criteria 13 December 2019. Collection method: clinical testing. Allele origin: germline.

Clinical Genomics, Uppaluri K&H Personalized Medicine Clinic
Classification: Uncertain significance for Maturity-onset diabetes of the young. Review status: criteria provided, single submitter. Criteria: K & H Uppaluri Personalized Medicine Clinic Variant Classification & Assertion Criteria_Updated V.1. Collection method: research. Allele origin: somatic. Inheritance: Autosomal dominant inheritance.
Comment: Mutations in KCNJ11 gene can cause decreased production and secretion of insulin. This can lead to MODY which may be responsive to oral sulfonylureas. It is also associated with Neonatal Diabetes. However, no sufficient evidence is found to ascertain the role of this particular variant (rs1591693562) in MODY yet.

Literature cited by the submitters: PubMed 26448950 (cited by Clinical Genomics, Uppaluri K&H Personalized Medicine Clinic); PubMed 15580558 (cited by Clinical Genomics, Uppaluri K&H Personalized Medicine Clinic); PubMed 15718250 (cited by Clinical Genomics, Uppaluri K&H Personalized Medicine Clinic); PubMed 32935446 (cited by Clinical Genomics, Uppaluri K&H Personalized Medicine Clinic); PubMed 22701567 (cited by Clinical Genomics, Uppaluri K&H Personalized Medicine Clinic).

NM_000525.4(KCNJ11):c.*842C>G

Gene: KCNJ11 (potassium inwardly rectifying channel subfamily J member 11; minus strand). Cytogenetic location: 11p15.1.
Variant type: single nucleotide variant.
Coding change: c.*842C>G on transcript NM_000525.4 (MANE Select); 842 bases downstream of the stop codon, C replaced by G.
Molecular consequence: 3 prime UTR variant.
Genome position (GRCh38, 1-based): chr11:17,386,077, G>C on the plus strand (C>G on the coding strand, the complement: KCNJ11 is on the minus strand). VCF-style: chr11-17386077-G-C. GRCh37 (hg19) VCF-style: chr11-17407624-G-C.
Other names: c.*842C>G (NM_001166290.2, NM_001377296.1, NM_001377297.1).
Identifiers: ClinVar variation 877519 (VCV000877519.5), dbSNP rs1591693562, ClinGen allele CA1139661840.